The following is an entry in ClinVar:

NM_001267550.2(TTN):c.65922G>A (p.Met21974Ile)

Genes: TTN (titin; minus strand), TTN-AS1 (TTN antisense RNA 1; plus strand). Cytogenetic location: 2q31.2.
Variant type: single nucleotide variant.
Coding change: c.65922G>A on transcript NM_001267550.2 (MANE Select); coding-DNA position 65922, G replaced by A.
Protein change: p.Met21974Ile; replaces methionine 21974 with isoleucine.
Molecular consequence: missense variant.
Genome position (GRCh38, 1-based): chr2:178,582,534, C>T on the plus strand (G>A on the coding strand, the complement: TTN is on the minus strand). VCF-style: chr2-178582534-C-T. GRCh37 (hg19) VCF-style: chr2-179447261-C-T.
Other names: c.60999G>A, p.Met20333Ile (NM_001256850.1); c.38727G>A, p.Met12909Ile (NM_003319.4); c.58218G>A, p.Met19406Ile (NM_133378.4); c.39102G>A, p.Met13034Ile (NM_133432.3); c.39303G>A, p.Met13101Ile (NM_133437.4); short protein forms M12909I, M13034I, M21974I, M13101I, M19406I, M20333I.
Identifiers: ClinVar variation 1735720 (VCV001735720.3), dbSNP rs751625996, ClinGen allele CA1991610.

ClinVar aggregate classification (germline): Conflicting classifications of pathogenicity. Review status: criteria provided, conflicting classifications (1 of 4 stars). 2 submissions from 2 submitters: Uncertain significance (1); Benign (1). Last evaluated 2025-05-29.

Conditions:
TTN-related disorder. Also called: TTN-related disorders; TTN-related condition; TTN-related disease.
Cardiovascular phenotype. Identifiers: MedGen CN230736.

Allele frequency attached by ClinVar (database versions not stated): TOPMed below 0.00001; gnomAD 0.00001; gnomAD exomes 0.00003; ExAC 0.00009.
gnomAD v4.1: 45 of 1,612,694 alleles (0.0028%); highest among the groups gnomAD compares: South Asian, 0.049%; no homozygotes.

Submissions (2):

PreventionGenetics, part of Exact Sciences
Classification: Uncertain significance for TTN-related condition. Last evaluated: 2025-05-29. Review status: criteria provided, single submitter. Criteria: ACMG Guidelines, 2015. Collection method: clinical testing. Allele origin: germline.
Comment: The TTN c.65922G>A variant is predicted to result in the amino acid substitution p.Met21974Ile. To our knowledge, this variant has not been reported in the literature. This variant is reported in 0.062% of alleles in individuals of South Asian descent in gnomAD. At this time, the clinical significance of this variant is uncertain due to the absence of conclusive functional and genetic evidence.

Ambry Genetics
Classification: Benign for Cardiovascular phenotype. Last evaluated: 2020-03-26. Review status: criteria provided, single submitter. Criteria: Ambry Variant Classification Scheme 2023. Collection method: clinical testing. Allele origin: germline.